The following is an entry in ClinVar:

NM_001029860.4(FBXO43):c.521G>C (p.Ser174Thr)

Gene: FBXO43 (F-box protein 43; minus strand). Cytogenetic location: 8q22.2.
Variant type: single nucleotide variant.
Coding change: c.521G>C on transcript NM_001029860.4 (MANE Select); coding-DNA position 521, G replaced by C.
Protein change: p.Ser174Thr; replaces serine 174 with threonine.
Molecular consequence: missense variant. On other transcripts: non-coding transcript variant (1).
Genome position (GRCh38, 1-based): chr8:100,141,733, C>G on the plus strand (G>C on the coding strand, the complement: FBXO43 is on the minus strand). VCF-style: chr8-100141733-C-G. GRCh37 (hg19) VCF-style: chr8-101153961-C-G.
Other names: short protein forms S174T.
Identifiers: ClinVar variation 3341736 (VCV003341736.16).

ClinVar aggregate classification (germline): Uncertain significance (1 of 4 stars; one submission).

gnomAD v4.1: 84 of 1,598,058 alleles (0.0053%); highest among the groups gnomAD compares: Middle Eastern, 0.017%; no homozygotes.

Submission:

CeGaT Center for Human Genetics Tuebingen
Classification: Uncertain significance. Last evaluated: 2024-08-01. Review status: criteria provided, single submitter. Criteria: CeGaT Center For Human Genetics Tuebingen Variant Classification Criteria Version 2. Collection method: clinical testing. Allele origin: germline. Affected: yes. Observed: 1 variant allele.
Comment: FBXO43: PM2, BP4